The following is an entry in ClinVar:

NM_022081.6(HPS4):c.1825C>T (p.Arg609Cys)

Gene: HPS4 (HPS4 biogenesis of lysosomal organelles complex 3 subunit 2; minus strand). Cytogenetic location: 22q12.1.
Variant type: single nucleotide variant.
Coding change: c.1825C>T on transcript NM_022081.6 (MANE Select); coding-DNA position 1825, C replaced by T.
Protein change: p.Arg609Cys; replaces arginine 609 with cysteine.
Molecular consequence: missense variant. On other transcripts: non-coding transcript variant (8), intron variant (2).
Genome position (GRCh38, 1-based): chr22:26,458,466, G>A on the plus strand (C>T on the coding strand, the complement: HPS4 is on the minus strand). VCF-style: chr22-26458466-G-A. GRCh37 (hg19) VCF-style: chr22-26854432-G-A.
Other names: c.1714-5062C>T (NM_001349902.1, NM_001349903.2); c.1825C>T, p.Arg609Cys (NM_001349896.1, NM_001349898.2, NM_001349899.2 and 2 more transcripts); c.1879C>T, p.Arg627Cys (NM_001349900.2, NM_001349901.1); c.1810C>T, p.Arg604Cys (NM_152841.2); short protein forms R627C, R604C, R609C.
Identifiers: ClinVar variation 1403626 (VCV001403626.5), dbSNP rs746151193, ClinGen allele CA10163206.
Genomic context (GRCh38, chr22:26,458,466, plus strand): 5'-GGCATCCCCGTCGCCCCAGGCCCCTTGGCTGGTTCTTACCCATCAGCAAGCTCTGAATGC[G>A]GTCGTAATGTGTGAAGTTGTAGGTGCTGCTCGTGGAGGCTGCCTCATCCCTGGGCAGCGT-3'
Protein context (NP_071364.4, residues 599-619): SSTYNFTHYD[Arg609Cys]IQSLLMANLP

ClinVar aggregate classification (germline): Uncertain significance (1 of 4 stars; one submission).

Allele frequency attached by ClinVar (database versions not stated): ExAC 0.00001; gnomAD 0.00001; gnomAD exomes 0.00001; TOPMed 0.00001.
gnomAD v4.1: 8 of 1,613,970 alleles (0.0005%); highest among the groups gnomAD compares: East Asian, 0.0022%; no homozygotes.

Submission:

Labcorp Genetics (formerly Invitae), Labcorp
Classification: Uncertain significance. Last evaluated: 2021-08-28. Review status: criteria provided, single submitter. Criteria: Invitae Variant Classification Sherloc (09022015). Collection method: clinical testing. Allele origin: germline.
Comment: This sequence change replaces arginine with cysteine at codon 609 of the HPS4 protein (p.Arg609Cys). The arginine residue is moderately conserved and there is a large physicochemical difference between arginine and cysteine. This variant is present in population databases (rs746151193, ExAC 0.01%). This variant has not been reported in the literature in individuals affected with HPS4-related conditions. Algorithms developed to predict the effect of missense changes on protein structure and function (SIFT, PolyPhen-2, Align-GVGD) all suggest that this variant is likely to be tolerated. In summary, the available evidence is currently insufficient to determine the role of this variant in disease. Therefore, it has been classified as a Variant of Uncertain Significance.